The following is an entry in ClinVar:

ClinVar aggregate classification (germline): Likely benign. Review status: criteria provided, multiple submitters, no conflicts (2 of 4 stars). 3 submissions from 3 submitters: Likely benign (3). Last evaluated 2022-07-01.

Allele frequency attached by ClinVar (database versions not stated): 1000 Genomes Project 30x 0.00047; ExAC 0.00052; gnomAD exomes 0.00055 and 0.00135; 1000 Genomes Project 0.00060; TOPMed 0.00065; gnomAD 0.00082; ESP Exome Variant Server 0.00115.
gnomAD v4.1: 2,091 of 1,614,146 alleles (0.13%); highest among the groups gnomAD compares: Non-Finnish European, 0.16%; 4 homozygotes.

Submissions (3):

CeGaT Center for Human Genetics Tuebingen
Classification: Likely benign. Last evaluated: 2022-07-01. Review status: criteria provided, single submitter. Criteria: CeGaT Center For Human Genetics Tuebingen Variant Classification Criteria Version 2. Collection method: clinical testing. Allele origin: germline. Affected: yes. Observed: 1 variant allele.
Comment: PCDH10: BP4, BP7

Labcorp Genetics (formerly Invitae), Labcorp
Classification: Likely benign. Last evaluated: 2019-12-31. Review status: criteria provided, single submitter. Criteria: Invitae Variant Classification Sherloc (09022015). Collection method: clinical testing. Allele origin: germline.

Breakthrough Genomics
Classification: Likely benign. Review status: criteria provided, single submitter. Criteria: ACMG Guidelines, 2015. Collection method: not provided. Allele origin: germline. Inheritance: Unknown mechanism. Affected: yes.

NM_032961.3(PCDH10):c.2931C>G (p.Gly977=)

Gene: PCDH10 (protocadherin 10; plus strand). Cytogenetic location: 4q28.3.
Variant type: single nucleotide variant.
Coding change: c.2931C>G on transcript NM_032961.3 (MANE Select); coding-DNA position 2931, C replaced by G.
Protein change: p.Gly977=; no amino-acid change (glycine 977 retained).
Molecular consequence: synonymous variant.
Genome position (GRCh38, 1-based): chr4:133,163,110, C>G. VCF-style: chr4-133163110-C-G. GRCh37 (hg19) VCF-style: chr4-134084265-C-G.
Identifiers: ClinVar variation 713855 (VCV000713855.29), dbSNP rs151224823, ClinGen allele CA3080934.